The following is an entry in ClinVar:

Conditions:
Long QT syndrome 5 (LQT5). Identifiers: Orphanet 101016, Orphanet 768, MedGen C1867904, MONDO:0013372, OMIM 613695.

Submission:

Roden Lab, Vanderbilt University Medical Center
No classification provided (evidence only). Condition: Long QT syndrome 5. Review status: no classification provided. Collection method: in vitro. Allele origin: not applicable. Functional consequence: Effect on ion channel function.
ClinVar note: "not provided" was previously submitted as the classification for the variant. However, the classification appeared to be based only on an observation of functional data so it was converted to no classification on 2025-07-30.

NM_000219.6(KCNE1):c.8T>G (p.Leu3Arg)

Gene: KCNE1 (potassium voltage-gated channel subfamily E regulatory subunit 1; minus strand). Cytogenetic location: 21q22.12.
Variant type: single nucleotide variant.
Coding change: c.8T>G on transcript NM_000219.6 (MANE Select); coding-DNA position 8, T replaced by G.
Protein change: p.Leu3Arg; replaces leucine 3 with arginine.
Molecular consequence: missense variant.
Genome position (GRCh38, 1-based): chr21:34,449,627, A>C on the plus strand (T>G on the coding strand, the complement: KCNE1 is on the minus strand). VCF-style: chr21-34449627-A-C. GRCh37 (hg19) VCF-style: chr21-35821925-A-C.
Other names: c.8T>G, p.Leu3Arg (NM_001127668.4, NM_001127669.4, NM_001127670.4 and 4 more transcripts); short protein forms L3R.
Identifiers: ClinVar variation 3374000 (VCV003374000.2).
Genomic context (GRCh38, chr21:34,449,627, plus strand): 5'-TGCTGAACTGTCTCCTGCCACAGCTTGGTCAGAAAGGGCGTCACCGCTGTGGTGTTAGAC[A>C]GGATCATCCTGGGCATTAAGGTTCCACTGCTGCAGCTCAAACTTCCCAGGCACACCTCTT-3'
Protein context (NP_000210.2, residues 1-13): MI[Leu3Arg]SNTTAVTPFL